The following is an entry in ClinVar:

ClinVar aggregate classification (germline): Uncertain significance. Review status: criteria provided, multiple submitters, no conflicts (2 of 4 stars). 3 submissions from 3 submitters: Uncertain significance (3). Last evaluated 2024-08-14.

Conditions:
Epileptic encephalopathy. Identifiers: MedGen C0543888, HP:0200134.

Allele frequency attached by ClinVar (database versions not stated): gnomAD 0.00003; TOPMed 0.00007; ESP Exome Variant Server 0.00008.
gnomAD v4.1: 58 of 1,613,792 alleles (0.0036%); highest among the groups gnomAD compares: Middle Eastern, 0.033%; no homozygotes.

Submissions (3):

Ambry Genetics
Classification: Uncertain significance. Last evaluated: 2024-08-14. Review status: criteria provided, single submitter. Criteria: Ambry Variant Classification Scheme 2023. Collection method: clinical testing. Allele origin: germline.

Labcorp Genetics (formerly Invitae), Labcorp
Classification: Uncertain significance for Epileptic encephalopathy. Last evaluated: 2022-03-23. Review status: criteria provided, single submitter. Criteria: Invitae Variant Classification Sherloc (09022015). Collection method: clinical testing. Allele origin: germline.
Comment: This variant is present in population databases (rs368231214, gnomAD 0.006%). In summary, the available evidence is currently insufficient to determine the role of this variant in disease. Therefore, it has been classified as a Variant of Uncertain Significance. Algorithms developed to predict the effect of missense changes on protein structure and function output the following: SIFT: "Deleterious"; PolyPhen-2: "Benign"; Align-GVGD: "Class C0". The cysteine amino acid residue is found in multiple mammalian species, which suggests that this missense change does not adversely affect protein function. ClinVar contains an entry for this variant (Variation ID: 461981). This variant has not been reported in the literature in individuals affected with RYR3-related conditions. This sequence change replaces arginine, which is basic and polar, with cysteine, which is neutral and slightly polar, at codon 3073 of the RYR3 protein (p.Arg3073Cys).

Breakthrough Genomics
Classification: Uncertain significance. Review status: criteria provided, single submitter. Criteria: ACMG Guidelines, 2015. Collection method: not provided. Allele origin: germline. Inheritance: Unknown mechanism. Affected: yes.

NM_001036.6(RYR3):c.9217C>T (p.Arg3073Cys)

Gene: RYR3 (ryanodine receptor 3; plus strand). Cytogenetic location: 15q14.
Variant type: single nucleotide variant.
Coding change: c.9217C>T on transcript NM_001036.6 (MANE Select); coding-DNA position 9217, C replaced by T.
Protein change: p.Arg3073Cys; replaces arginine 3073 with cysteine.
Molecular consequence: missense variant.
Genome position (GRCh38, 1-based): chr15:33,780,290, C>T. VCF-style: chr15-33780290-C-T. GRCh37 (hg19) VCF-style: chr15-34072491-C-T.
Other names: c.9217C>T, p.Arg3073Cys (NM_001243996.4); c.9217C>T (NM_001036.3); short protein forms R3073C.
Identifiers: ClinVar variation 461981 (VCV000461981.13), dbSNP rs368231214, ClinGen allele CA7460454.